The following is an entry in ClinVar:

ClinVar aggregate classification (germline): Conflicting classifications of pathogenicity. Review status: criteria provided, conflicting classifications (1 of 4 stars). 2 submissions from 2 submitters: Uncertain significance (1); Likely benign (1). Last evaluated 2025-12-22.

Allele frequency attached by ClinVar (database versions not stated): ExAC 0.00002; gnomAD 0.00002 and 0.00003; TOPMed 0.00002.
gnomAD v4.1: 6 of 1,613,344 alleles (0.00037%); highest among the groups gnomAD compares: Non-Finnish European, 0.00042%; no homozygotes.

Submissions (2):

Labcorp Genetics (formerly Invitae), Labcorp
Classification: Likely benign. Last evaluated: 2025-12-22. Review status: criteria provided, single submitter. Criteria: Invitae Variant Classification Sherloc (09022015). Collection method: clinical testing. Allele origin: germline.

Genetic Services Laboratory, University of Chicago
Classification: Uncertain significance. Last evaluated: 2021-08-31. Review status: criteria provided, single submitter. Criteria: ACMG Guidelines, 2015. Collection method: clinical testing. Allele origin: germline. Affected: no.
Comment: DNA sequence analysis of the ABCC8 gene demonstrated a sequence change in intron 8, c.1332+9T>C. This change does not appear to have been previously described in patients with ABCC8-related disorders and has been described in the gnomAD database in three heterozygous individuals which corresponds to a population frequency of 0.0012% (dbSNP rs775059899). This sequence change is not clearly predicted to have a deleterious effect on splicing based on in silico splice prediction programs. The functional significance of this sequence change is not known at present and its contribution to this patient's disease phenotype cannot definitively be determined.

NM_000352.6(ABCC8):c.1332+9T>C

Gene: ABCC8 (ATP binding cassette subfamily C member 8; minus strand). Cytogenetic location: 11p15.1.
Variant type: single nucleotide variant.
Coding change: c.1332+9T>C on transcript NM_000352.6 (MANE Select); 9 bases into the intron after coding-DNA position 1332, T replaced by C.
Molecular consequence: intron variant.
Genome position (GRCh38, 1-based): chr11:17,448,507, A>G on the plus strand (T>C on the coding strand, the complement: ABCC8 is on the minus strand). VCF-style: chr11-17448507-A-G. GRCh37 (hg19) VCF-style: chr11-17470054-A-G.
Other names: c.1329+9T>C (NM_001351297.2, NM_001351296.2); c.1332+9T>C (NM_001351295.2, NM_001287174.3).
Identifiers: ClinVar variation 1338062 (VCV001338062.11), dbSNP rs775059899, ClinGen allele CA5903622.